The following is an entry in ClinVar:

ClinVar aggregate classification (germline): Conflicting classifications of pathogenicity. Review status: criteria provided, conflicting classifications (1 of 4 stars). 5 submissions from 4 submitters: Uncertain significance (2); Likely benign (2). 1 of the submissions does not count toward it. Last evaluated 2025-07-17.

Conditions:
Hereditary cancer-predisposing syndrome. Also called: Neoplastic Syndromes, Hereditary; Hereditary Cancer Syndrome; Hereditary neoplastic syndrome; Tumor predisposition. Identifiers: Orphanet 140162, MedGen C0027672, MeSH D009386, MONDO:0015356.
Cardiovascular phenotype. Identifiers: MedGen CN230736.
Neurofibromatosis, type 1 (NF1). Also called: VON RECKLINGHAUSEN DISEASE; Neurofibromatosis, type I; NEUROFIBROMATOSIS, TYPE I, SOMATIC; Peripheral type neurofibromatosis. Identifiers: Orphanet 636, MedGen C0027831, MONDO:0018975, OMIM 162200. Disease mechanism: loss of function.

Allele frequency attached by ClinVar (database versions not stated): gnomAD 0.00001; gnomAD exomes 0.00002; ExAC 0.00003.
gnomAD v4.1: 30 of 1,613,740 alleles (0.0019%); highest among the groups gnomAD compares: East Asian, 0.065%; no homozygotes.

Submissions (5):

Labcorp Genetics (formerly Invitae), Labcorp
Classification: Likely benign for Neurofibromatosis, type 1. Last evaluated: 2025-07-17. Review status: criteria provided, single submitter. Criteria: Invitae Variant Classification Sherloc (09022015). Collection method: clinical testing. Allele origin: germline.

Genome-Nilou Lab
Classification: Uncertain significance for Neurofibromatosis, type 1. Last evaluated: 2022-03-15. Review status: criteria provided, single submitter. Criteria: ACMG Guidelines, 2015. Collection method: clinical testing. Allele origin: germline. Affected: no.

Ambry Genetics
Classification: Likely benign for Cardiovascular phenotype; Hereditary cancer-predisposing syndrome. Last evaluated: 2021-08-12. Review status: criteria provided, single submitter. Criteria: Ambry Variant Classification Scheme 2023. Collection method: clinical testing. Allele origin: germline.

Ambry Genetics
Classification: Uncertain significance for Hereditary cancer-predisposing syndrome. Last evaluated: 2014-05-23. Review status: criteria provided, single submitter. Criteria: Ambry Autosomal Dominant and X-Linked criteria (10/2015). Collection method: clinical testing. Allele origin: germline. Observed: 1 variant allele.
Comment: The c.4110+4T>C intronic variant results from a T to C substitution 4 nucleotides after coding exon 30 in the NF1 gene. This variant was not reported in population based cohorts in the following databases: Database of Single Nucleotide Polymorphisms (dbSNP), NHLBI Exome Sequencing Project (ESP), and 1000 Genomes Project.To date, this alteration has been detected with an allele frequency of approximately 0.004% (greater than 55000 alleles tested) in our clinical cohort. Based on nucleotide sequence alignment, thisnucleotide position is well conserved in available vertebrate species.Using the BDGP and ESEfinder splice site prediction tools, this alteration does not have any significant effect on the native splice donor sites; however, direct evidence is unavailable.Since supporting evidence is limited at this time, the clinical significance ofc.4110+4T>Cremains unclear.

Genetic Services Laboratory, University of Chicago
Classification: Uncertain significance. Last evaluated: 2022-04-28. Review status: no assertion criteria provided. Collection method: clinical testing. Allele origin: germline. Affected: no. Not counted in ClinVar's aggregate classification.
Comment: DNA sequence analysis of the NF1 gene demonstrated a sequence change in intron 30, c.4110+4T>C. This sequence change has been described in the gnomAD database with a frequency of 0.033% in the East ASian subpopulation (dbSNP rs587781700). This sequence change is not predicted to have a deleterious effect on splicing based on in-silico splice prediction programs. This change does not appear to have been previously described in individuals with NF1-related disorders. It is possible that this sequence change represents a benign sequence change in the NF1 gene that has not been identified to date. The functional significance of this sequence change is not known at present and its contribution to this individual's disease phenotype cannot definitively be determined

NM_001042492.3(NF1):c.4110+4T>C

Gene: NF1 (neurofibromin 1; plus strand). Cytogenetic location: 17q11.2.
Variant type: single nucleotide variant.
Coding change: c.4110+4T>C on transcript NM_001042492.3 (MANE Select); 4 bases into the intron after coding-DNA position 4110, T replaced by C.
Molecular consequence: intron variant.
Genome position (GRCh38, 1-based): chr17:31,249,123, T>C. VCF-style: chr17-31249123-T-C. GRCh37 (hg19) VCF-style: chr17-29576141-T-C.
Other names: c.4110+4T>C (NM_000267.4).
Identifiers: ClinVar variation 141375 (VCV000141375.14), dbSNP rs587781700, ClinGen allele CA165260.